The following is an entry in ClinVar:

NM_000288.4(PEX7):c.682_683delinsA (p.Leu228fs)

Gene: PEX7 (peroxisomal biogenesis factor 7; plus strand). Cytogenetic location: 6q23.3.
Variant type: Indel.
Coding change: c.682_683delinsA on transcript NM_000288.4 (MANE Select); coding-DNA positions 682 to 683, TT replaced by A.
Protein change: p.Leu228fs; shifts the reading frame from leucine 228.
Molecular consequence: frameshift variant.
Genome position (GRCh38, 1-based): chr6:136,869,938-136,869,939, TT replaced by A. VCF-style: chr6-136869938-TT-A. GRCh37 (hg19) VCF-style: chr6-137191076-TT-A.
Other names: c.568_569delTTinsA, p.Leu190Lysfs (NM_001410945.1); short protein forms L228fs.
Identifiers: ClinVar variation 1724325 (VCV001724325.2), dbSNP rs2548095379, ClinGen allele CA2580075141.

ClinVar aggregate classification (germline): Likely pathogenic (1 of 4 stars; one submission).

Conditions:
Rhizomelic chondrodysplasia punctata type 1 (RCDP1). Also called: PEROXISOME BIOGENESIS DISORDER 9; CHONDRODYSTROPHIA CALCIFICANS PUNCTATA; PEX7-Related Rhizomelic Chondrodysplasia Punctata. Identifiers: Orphanet 177, Orphanet 309789, MedGen C1859133, MONDO:0008972, OMIM 215100. Disease mechanism: loss of function.

Submission:

Myriad Genetics, Inc.
Classification: Likely pathogenic for Rhizomelic chondrodysplasia punctata type 1. Last evaluated: 2022-02-05. Review status: criteria provided, single submitter. Criteria: Myriad Women's Health Autosomal Recessive and X-Linked Classification Criteria (2021). Collection method: clinical testing. Allele origin: unknown.
Comment: NM_000288.3(PEX7):c.682_683delTTinsA(L228Kfs*21) is expected to be pathogenic in the context of rhizomelic chondrodysplasia punctata type 1. This variant is predicted to lead to an abnormal or absent protein product due to the creation of a premature termination codon in PEX7, a gene where loss-of-function variants are known to be pathogenic. Please note: this variant was assessed in the context of healthy population screening.